The following is an entry in ClinVar:

NM_000287.4(PEX6):c.1746T>C (p.Asp582=)

Gene: PEX6 (peroxisomal biogenesis factor 6; minus strand). Cytogenetic location: 6p21.1.
Variant type: single nucleotide variant.
Coding change: c.1746T>C on transcript NM_000287.4 (MANE Select); coding-DNA position 1746, T replaced by C.
Protein change: p.Asp582=; no amino-acid change (aspartic acid 582 retained).
Molecular consequence: synonymous variant. On other transcripts: non-coding transcript variant (1).
Genome position (GRCh38, 1-based): chr6:42,967,506, A>G on the plus strand (T>C on the coding strand, the complement: PEX6 is on the minus strand). VCF-style: chr6-42967506-A-G. GRCh37 (hg19) VCF-style: chr6-42935244-A-G.
Other names: c.1482T>C, p.Asp494= (NM_001316313.2); c.1746T>C (NM_000287.3).
Identifiers: ClinVar variation 1157251 (VCV001157251.11), dbSNP rs756462650, ClinGen allele CA3811227.
Genomic context (GRCh38, chr6:42,967,506, plus strand): 5'-GAGCCGCTGCCCCTCTGACAGAGCAGGCACCTCGAGCTCATGAGGAAATGCTGTCTGCAC[A>G]TCAGCAGGCAGGTCCTGGGCCCGGCTTGTGGTGGCCACAACCATGAGGGGAGGGCAGCTG-3'
Protein context (NP_000278.3, residues 572-592): TTSRAQDLPA[Asp582=]VQTAFPHELE

ClinVar aggregate classification (germline): Likely benign. Review status: criteria provided, single submitter (1 of 4 stars). 2 submissions from 2 submitters: Likely benign (1). 1 of the submissions does not count toward it. Last evaluated 2025-11-05.

Conditions:
PEX6-related disorder. Also called: PEX6-related condition; PEX6-related disorders.
Peroxisome biogenesis disorder. Identifiers: Orphanet 79189, MedGen C1832200, MONDO:0019234. Disease mechanism: loss of function.

Allele frequency attached by ClinVar (database versions not stated): ExAC 0.00001; gnomAD exomes 0.00001 and 0.00002.
gnomAD v4.1: 5 of 1,609,472 alleles (0.00031%); highest among the groups gnomAD compares: Admixed American, 0.0084%; no homozygotes.

Submissions (2):

Labcorp Genetics (formerly Invitae), Labcorp
Classification: Likely benign for Peroxisome biogenesis disorder. Last evaluated: 2025-11-05. Review status: criteria provided, single submitter. Criteria: Invitae Variant Classification Sherloc (09022015). Collection method: clinical testing. Allele origin: germline.

PreventionGenetics, part of Exact Sciences
Classification: Likely benign for PEX6-related condition. Last evaluated: 2021-11-04. Review status: no assertion criteria provided. Collection method: clinical testing. Allele origin: germline. Not counted in ClinVar's aggregate classification.
Comment: This variant is classified as likely benign based on ACMG/AMP sequence variant interpretation guidelines (Richards et al. 2015 PMID: 25741868, with internal and published modifications).